The following is an entry in ClinVar:

NM_025237.3(SOST):c.87dup (p.Lys30fs)

Gene: SOST (sclerostin; minus strand). Cytogenetic location: 17q21.31.
Variant type: Duplication.
Coding change: c.87dup on transcript NM_025237.3 (MANE Select); coding-DNA position 87, one base duplicated (C; older notation c.87dupC).
Protein change: p.Lys30fs; shifts the reading frame from lysine 30.
Molecular consequence: frameshift variant.
Genome position (GRCh38, 1-based): chr17:43,758,655, G duplicated on the plus strand (C on the coding strand, the reverse complement: SOST is on the minus strand). VCF-style (leftmost placement, unchanged base first): chr17-43758654-T-TG. GRCh37 (hg19) VCF-style: chr17-41836022-T-TG.
Other names: short protein forms K30fs.
Identifiers: ClinVar variation 1342991 (VCV001342991.3), dbSNP rs377648601, ClinGen allele CA290858636.

ClinVar aggregate classification (germline): Pathogenic. Review status: criteria provided, single submitter (1 of 4 stars). 2 submissions from 2 submitters: Pathogenic (1). 1 of the submissions does not count toward it. Last evaluated 2022-09-01.

Conditions:
Sclerosteosis 1 (SOST1). Also called: CORTICAL HYPEROSTOSIS WITH SYNDACTYLY. Identifiers: Orphanet 3152, MedGen C4551483, MONDO:0010016, OMIM 269500.

Submissions (2):

3billion
Classification: Pathogenic for Sclerosteosis 1. Last evaluated: 2022-09-01. Review status: criteria provided, single submitter. Criteria: ACMG Guidelines, 2015. Collection method: clinical testing. Allele origin: germline. Affected: yes. Observed: 1 homozygote.
Comment: The variant is not observed in the gnomAD v2.1.1 dataset. Frameshift variant is predicted to result in a loss or disruption of normal protein function through nonsense-mediated decay (NMD) or protein truncation. Multiple pathogenic variants are reported downstream of the variant. The variant has been reported to be associated with SOST-related disorder (PMID: 25984533). However, the evidence of pathogenicity is insufficient at this time. Therefore, this variant is classified as Pathogenic according to the recommendation of ACMG/AMP guideline.

GeneReviews
No classification provided. Condition: Sclerosteosis 1. Review status: no classification provided. Collection method: literature only. Allele origin: germline. Not counted in ClinVar's aggregate classification.

Literature cited by the submitters: PubMed 25984533 (cited by 3billion and GeneReviews); NCBI Bookshelf NBK1228 (cited by GeneReviews).